The following is an entry in ClinVar:

NM_000642.3(AGL):c.2812G>A (p.Gly938Ser)

Gene: AGL (amylo-alpha-1,6-glucosidase and 4-alpha-glucanotransferase; plus strand). Cytogenetic location: 1p21.2.
Variant type: single nucleotide variant.
Coding change: c.2812G>A on transcript NM_000642.3 (MANE Select); coding-DNA position 2812, G replaced by A.
Protein change: p.Gly938Ser; replaces glycine 938 with serine.
Molecular consequence: missense variant.
Genome position (GRCh38, 1-based): chr1:99,888,108, G>A. VCF-style: chr1-99888108-G-A. GRCh37 (hg19) VCF-style: chr1-100353664-G-A.
Other names: c.2812G>A, p.Gly938Ser (NM_000028.3, NM_000643.3, NM_000644.3 and 1 more transcripts); c.2764G>A, p.Gly922Ser (NM_000646.3); c.2812G>A, p.Glu938Lys (NM_001425326.1); c.2611G>A, p.Gly871Ser (NM_001425327.1); c.2608G>A, p.Gly870Ser (NM_001425328.1); c.2473G>A, p.Gly825Ser (NM_001425329.1); c.2434G>A, p.Gly812Ser (NM_001425332.1); short protein forms G922S, G938S, E938K, G812S, G825S, G870S, G871S.
Identifiers: ClinVar variation 1438477 (VCV001438477.8), dbSNP rs922506679, ClinGen allele CA341323325.

ClinVar aggregate classification (germline): Uncertain significance (1 of 4 stars; one submission).

Conditions:
Glycogen storage disease type III (GSD3). Also called: FORBES DISEASE; Cori disease. Identifiers: Orphanet 366, MedGen C0017922, MONDO:0009291, OMIM 232400.

Submission:

Labcorp Genetics (formerly Invitae), Labcorp
Classification: Uncertain significance for Glycogen storage disease type III. Last evaluated: 2020-11-17. Review status: criteria provided, single submitter. Criteria: Invitae Variant Classification Sherloc (09022015). Collection method: clinical testing. Allele origin: germline.
Comment: This sequence change replaces glycine with serine at codon 938 of the AGL protein (p.Gly938Ser). The glycine residue is highly conserved and there is a small physicochemical difference between glycine and serine. This variant also falls at the last nucleotide of exon 21, which is part of the consensus splice site for this exon. In summary, the available evidence is currently insufficient to determine the role of this variant in disease. Therefore, it has been classified as a Variant of Uncertain Significance. Nucleotide substitutions within the consensus splice site are a relatively common cause of aberrant splicing (PMID: 17576681, 9536098). Algorithms developed to predict the effect of sequence changes on RNA splicing suggest that this variant may disrupt the consensus splice site, but this prediction has not been confirmed by published transcriptional studies. Algorithms developed to predict the effect of missense changes on protein structure and function are either unavailable or do not agree on the potential impact of this missense change (SIFT: "Deleterious"; PolyPhen-2: "Probably Damaging"; Align-GVGD: "Class C0"). This variant has not been reported in the literature in individuals with AGL-related conditions. This variant is not present in population databases (ExAC no frequency).

Literature cited by the submitters: PubMed 17576681; PubMed 9536098.